The following is an entry in ClinVar:

NM_004153.4(ORC1):c.1406G>A (p.Cys469Tyr)

Gene: ORC1 (origin recognition complex subunit 1; minus strand). Cytogenetic location: 1p32.3.
Variant type: single nucleotide variant.
Coding change: c.1406G>A on transcript NM_004153.4 (MANE Select); coding-DNA position 1406, G replaced by A.
Protein change: p.Cys469Tyr; replaces cysteine 469 with tyrosine.
Molecular consequence: missense variant.
Genome position (GRCh38, 1-based): chr1:52,385,927, C>T on the plus strand (G>A on the coding strand, the complement: ORC1 is on the minus strand). VCF-style: chr1-52385927-C-T. GRCh37 (hg19) VCF-style: chr1-52851599-C-T.
Other names: c.1406G>A, p.Cys469Tyr (NM_001190818.2); c.1391G>A, p.Cys464Tyr (NM_001190819.2); short protein forms C469Y, C464Y.
Identifiers: ClinVar variation 129857 (VCV000129857.20), dbSNP rs3087483, ClinGen allele CA154196.

ClinVar aggregate classification (germline): Benign. Review status: criteria provided, multiple submitters, no conflicts (2 of 4 stars). 4 submissions from 4 submitters: Benign (4). Last evaluated 2026-01-28.

Conditions:
Meier-Gorlin syndrome 1 (MGORS1). Also called: EAR, PATELLA, SHORT STATURE SYNDROME. Identifiers: Orphanet 2554, MedGen C4552001, MONDO:0009143, OMIM 224690.

Allele frequency attached by ClinVar (database versions not stated): gnomAD exomes 0.00087 and 0.00250; ExAC 0.00313; 1000 Genomes Project 0.00978; gnomAD 0.01012 and 0.01081; ESP Exome Variant Server 0.01015; 1000 Genomes Project 30x 0.01124; TOPMed 0.01147.
gnomAD v4.1: 2,868 of 1,613,606 alleles (0.18%); highest among the groups gnomAD compares: African/African-American, 3.4%; 35 homozygotes.

Submissions (4):

Labcorp Genetics (formerly Invitae), Labcorp
Classification: Benign. Last evaluated: 2026-01-28. Review status: criteria provided, single submitter. Criteria: Invitae Variant Classification Sherloc (09022015). Collection method: clinical testing. Allele origin: germline.

Illumina Laboratory Services, Illumina
Classification: Benign for Meier-Gorlin syndrome 1. Last evaluated: 2018-01-13. Review status: criteria provided, single submitter. Criteria: ICSL Variant Classification Criteria 13 December 2019. Collection method: clinical testing. Allele origin: germline.
Comment: This variant was observed in the ICSL laboratory as part of a predisposition screen in an ostensibly healthy population. It had not been previously curated by ICSL or reported in the Human Gene Mutation Database (HGMD: prior to June 1st, 2018), and was therefore a candidate for classification through an automated scoring system. Utilizing variant allele frequency, disease prevalence and penetrance estimates, and inheritance mode, an automated score was calculated to assess if this variant is too frequent to cause the disease. Based on the score and internal cut-off values, a variant classified as benign is not then subjected to further curation. The score for this variant resulted in a classification of benign for this disease.

Genetic Services Laboratory, University of Chicago
Classification: Benign for AllHighlyPenetrant. Last evaluated: 2013-07-02. Review status: criteria provided, single submitter. Criteria: ACMG Guidelines, 2007. Collection method: clinical testing. Allele origin: germline. Inheritance: Autosomal recessive inheritance.

Breakthrough Genomics
Classification: Benign. Review status: criteria provided, single submitter. Criteria: ACMG Guidelines, 2015. Collection method: not provided. Allele origin: germline. Inheritance: Autosomal recessive inheritance. Affected: yes.